The following is an entry in ClinVar:

NM_002458.3(MUC5B):c.6831G>A (p.Thr2277=)

Genes: MUC5B (mucin 5B, oligomeric mucus/gel-forming; plus strand), MUC5B-AS1 (MUC5B antisense RNA 1; minus strand). Cytogenetic location: 11p15.5.
Variant type: single nucleotide variant.
Coding change: c.6831G>A on transcript NM_002458.3 (MANE Select); coding-DNA position 6831, G replaced by A.
Protein change: p.Thr2277=; no amino-acid change (threonine 2277 retained).
Molecular consequence: synonymous variant.
Genome position (GRCh38, 1-based): chr11:1,243,711, G>A. VCF-style: chr11-1243711-G-A. GRCh37 (hg19) VCF-style: chr11-1264941-G-A.
Identifiers: ClinVar variation 2641224 (VCV002641224.24), dbSNP rs200834421, ClinGen allele CA5806151.

ClinVar aggregate classification (germline): Likely benign (1 of 4 stars; one submission).

Allele frequency attached by ClinVar (database versions not stated): 1000 Genomes Project 0.00479; 1000 Genomes Project 30x 0.00531; ESP Exome Variant Server 0.00857.
gnomAD v4.1: 17,187 of 1,609,384 alleles (1.1%); highest among the groups gnomAD compares: South Asian, 1.5%; no homozygotes.

Submission:

CeGaT Center for Human Genetics Tuebingen
Classification: Likely benign. Last evaluated: 2024-06-01. Review status: criteria provided, single submitter. Criteria: CeGaT Center For Human Genetics Tuebingen Variant Classification Criteria Version 2. Collection method: clinical testing. Allele origin: germline. Affected: yes. Observed: 2 variant alleles.
Comment: MUC5B: BP4, BP7, BS1